The following is an entry in ClinVar:

ClinVar aggregate classification (germline): Conflicting classifications of pathogenicity. Review status: criteria provided, conflicting classifications (1 of 4 stars). 3 submissions from 3 submitters: Uncertain significance (1); Likely benign (1). 1 of the submissions does not count toward it. Last evaluated 2023-08-19.

Conditions:
DNAAF1-related disorder. Also called: DNAAF1-related condition.
Primary ciliary dyskinesia. Also called: Ciliary dyskinesia. Identifiers: Orphanet 244, MedGen C0008780, MONDO:0016575, HP:0012265.

Allele frequency attached by ClinVar (database versions not stated): gnomAD exomes below 0.00001; gnomAD 0.00001.
gnomAD v4.1: 4 of 1,613,936 alleles (0.00025%); highest among the groups gnomAD compares: African/African-American, 0.0013%; no homozygotes.

Submissions (3):

Labcorp Genetics (formerly Invitae), Labcorp
Classification: Uncertain significance for Primary ciliary dyskinesia. Last evaluated: 2023-08-19. Review status: criteria provided, single submitter. Criteria: Invitae Variant Classification Sherloc (09022015). Collection method: clinical testing. Allele origin: germline.
Comment: This sequence change falls in intron 10 of the DNAAF1 gene. It does not directly change the encoded amino acid sequence of the DNAAF1 protein. It affects a nucleotide within the consensus splice site. In summary, the available evidence is currently insufficient to determine the role of this variant in disease. Therefore, it has been classified as a Variant of Uncertain Significance. Variants that disrupt the consensus splice site are a relatively common cause of aberrant splicing (PMID: 17576681, 9536098). Algorithms developed to predict the effect of sequence changes on RNA splicing suggest that this variant may disrupt the consensus splice site. This variant has not been reported in the literature in individuals affected with DNAAF1-related conditions. This variant is present in population databases (no rsID available, gnomAD 0.004%).

Blueprint Genetics
Classification: Likely benign. Last evaluated: 2022-09-21. Review status: criteria provided, single submitter. Criteria: ACMG Guidelines, 2015. Collection method: clinical testing. Allele origin: germline.

PreventionGenetics, part of Exact Sciences
Classification: Likely benign for DNAAF1-related condition. Last evaluated: 2024-02-26. Review status: no assertion criteria provided. Collection method: clinical testing. Allele origin: germline. Not counted in ClinVar's aggregate classification.
Comment: This variant is classified as likely benign based on ACMG/AMP sequence variant interpretation guidelines (Richards et al. 2015 PMID: 25741868, with internal and published modifications).

Literature cited by the submitters: PubMed 17576681 (cited by Labcorp Genetics (formerly Invitae), Labcorp); PubMed 9536098 (cited by Labcorp Genetics (formerly Invitae), Labcorp).

NM_178452.6(DNAAF1):c.1699-3T>C

Gene: DNAAF1 (dynein axonemal assembly factor 1; plus strand). Cytogenetic location: 16q24.1.
Variant type: single nucleotide variant.
Coding change: c.1699-3T>C on transcript NM_178452.6 (MANE Select); 3 bases into the intron before coding-DNA position 1699, T replaced by C.
Molecular consequence: intron variant.
Genome position (GRCh38, 1-based): chr16:84,175,930, T>C. VCF-style: chr16-84175930-T-C. GRCh37 (hg19) VCF-style: chr16-84209536-T-C.
Other names: c.1699-3T>C (NM_178452.5); c.991-3T>C (NM_001318756.1).
Identifiers: ClinVar variation 2782729 (VCV002782729.6), dbSNP rs1177142525, ClinGen allele CA624019193.